The following is an entry in ClinVar:

NM_006186.4(NR4A2):c.809C>T (p.Ala270Val)

Gene: NR4A2 (nuclear receptor subfamily 4 group A member 2; minus strand). Cytogenetic location: 2q24.1.
Variant type: single nucleotide variant.
Coding change: c.809C>T on transcript NM_006186.4 (MANE Select); coding-DNA position 809, C replaced by T.
Protein change: p.Ala270Val; replaces alanine 270 with valine.
Molecular consequence: missense variant.
Genome position (GRCh38, 1-based): chr2:156,329,378, G>A on the plus strand (C>T on the coding strand, the complement: NR4A2 is on the minus strand). VCF-style: chr2-156329378-G-A. GRCh37 (hg19) VCF-style: chr2-157185890-G-A.
Other names: c.620C>T, p.Ala207Val (NM_173173.3); short protein forms A207V, A270V.
Identifiers: ClinVar variation 3773852 (VCV003773852.1).

ClinVar aggregate classification (germline): Likely pathogenic (1 of 4 stars; one submission).

Conditions:
Intellectual developmental disorder with language impairment and early-onset DOPA-responsive dystonia-parkinsonism (IDLDP). Identifiers: Orphanet 660017, MedGen C5677001, MONDO:0859257, OMIM 619911.

Submission:

Rady Children's Institute for Genomic Medicine, Rady Children's Hospital San Diego
Classification: Likely pathogenic for INTELLECTUAL DEVELOPMENTAL DISORDER WITH LANGUAGE IMPAIRMENT AND EARLY-ONSET DOPA-RESPONSIVE DYSTONIA-PARKINSONISM. Last evaluated: 2023-11-28. Review status: criteria provided, single submitter. Criteria: ACMG Guidelines, 2015. Collection method: clinical testing. Allele origin: germline. Affected: yes.
Comment: The c.809C>T (p.Ala270Val) variant affects a highly conserved amino acid and is predicted by multiple in silico tools to have a deleterious effect on protein function. This variant has not been previously reported or functionally characterized in the literature to our knowledge. The c.809C>T (p.Ala270Val) variant is absent from the gnomAD population database and thus is presumed to be rare. Analysis of the parental samples was negative for the variant, indicating this variant likely occurred as a de novo event. Based on the available evidence, c.809C>T (p.Ala270Val) is classified as Likely Pathogenic.